The following is an entry in ClinVar:

ClinVar aggregate classification (germline): Conflicting classifications of pathogenicity. Review status: criteria provided, conflicting classifications (1 of 4 stars). 5 submissions from 5 submitters: Uncertain significance (4); Likely benign (1). Last evaluated 2026-04-28.

Conditions:
TTN-related disorder. Also called: TTN-related condition; TTN-related disease; TTN-related disorders.
Dilated cardiomyopathy 1G (CMD1G). Identifiers: Orphanet 154, MedGen C1858763, MONDO:0011400, OMIM 604145.
Autosomal recessive limb-girdle muscular dystrophy type 2J (LGMDR10). Also called: Limb-girdle muscular dystrophy, type 2J; MUSCULAR DYSTROPHY, LIMB-GIRDLE, AUTOSOMAL RECESSIVE 10. Identifiers: Orphanet 140922, MedGen C1837342, MONDO:0012127, OMIM 608807.

Allele frequency attached by ClinVar (database versions not stated): gnomAD exomes 0.00001; ExAC 0.00002; gnomAD 0.00007; ESP Exome Variant Server 0.00008; TOPMed 0.00008.
gnomAD v4.1: 14 of 1,613,738 alleles (0.00087%); highest among the groups gnomAD compares: African/African-American, 0.019%; no homozygotes.

Submissions (5):

Women's Health and Genetics/Laboratory Corporation of America, LabCorp
Classification: Uncertain significance. Last evaluated: 2026-04-28. Review status: criteria provided, single submitter. Criteria: LabCorp Variant Classification Summary - May 2015. Collection method: clinical testing. Allele origin: germline.
Comment: Variant summary: TTN c.24366C>G (p.Ser8122Arg) results in a non-conservative amino acid change in the encoded protein sequence. Algorithms developed to predict the effect of missense changes on protein structure and function are either unavailable or do not agree on the potential impact of this missense change. The variant allele was found at a frequency of 8e-06 in 248744 control chromosomes. The available data on variant occurrences in the general population are insufficient to allow any conclusion about variant significance. To our knowledge, no occurrence of c.24366C>G in individuals affected with TTN-related conditions and no experimental evidence demonstrating its impact on protein function have been reported. ClinVar contains an entry for this variant (Variation ID: 203354). Based on the evidence outlined above, the variant was classified as uncertain significance.

PreventionGenetics, part of Exact Sciences
Classification: Uncertain significance for TTN-related condition. Last evaluated: 2026-04-13. Review status: criteria provided, single submitter. Criteria: ACMG Guidelines, 2015. Collection method: clinical testing. Allele origin: germline.
Comment: The TTN c.28098C>G variant is predicted to result in the amino acid substitution p.Ser9366Arg. To our knowledge, this variant has not been reported in the literature. This variant is reported in 0.013% of alleles in individuals of African descent in gnomAD. At this time, the clinical significance of this variant is uncertain due to the absence of conclusive functional and genetic evidence.

Revvity Omics, Revvity
Classification: Uncertain significance. Last evaluated: 2021-02-04. Review status: criteria provided, single submitter. Criteria: ACMG Guidelines, 2015. Collection method: clinical testing. Allele origin: germline.

GeneDx
Classification: Likely benign. Last evaluated: 2019-11-18. Review status: criteria provided, single submitter. Criteria: GeneDx Variant Classification Process June 2021. Collection method: clinical testing. Allele origin: germline. Affected: yes.

Labcorp Genetics (formerly Invitae), Labcorp
Classification: Uncertain significance for Dilated cardiomyopathy 1G; Autosomal recessive limb-girdle muscular dystrophy type 2J. Last evaluated: 2016-11-23. Review status: criteria provided, single submitter. Criteria: Invitae Variant Classification Sherloc (09022015). Collection method: clinical testing. Allele origin: germline.

NM_001267550.2(TTN):c.28098C>G (p.Ser9366Arg)

Gene: TTN (titin; minus strand). Cytogenetic location: 2q31.2.
Variant type: single nucleotide variant.
Coding change: c.28098C>G on transcript NM_001267550.2 (MANE Select); coding-DNA position 28098, C replaced by G.
Protein change: p.Ser9366Arg; replaces serine 9366 with arginine.
Molecular consequence: missense variant. On other transcripts: intron variant (3).
Genome position (GRCh38, 1-based): chr2:178,711,138, G>C on the plus strand (C>G on the coding strand, the complement: TTN is on the minus strand). VCF-style: chr2-178711138-G-C. GRCh37 (hg19) VCF-style: chr2-179575865-G-C.
Other names: p.S9049R:AGC>AGG; c.27147C>G, p.Ser9049Arg (NM_001256850.1); c.24366C>G, p.Ser8122Arg (NM_133378.4); c.13282+26944C>G (NM_003319.4); c.13858+26944C>G (NM_133437.4); c.13657+26944C>G (NM_133432.3); short protein forms S9049R, S9366R, S8122R.
Identifiers: ClinVar variation 203354 (VCV000203354.10), dbSNP rs374930292, ClinGen allele CA312130.